The following is an entry in ClinVar:

NM_017636.4(TRPM4):c.3446A>G (p.Lys1149Arg)

Gene: TRPM4 (transient receptor potential cation channel subfamily M member 4; plus strand). Cytogenetic location: 19q13.33.
Variant type: single nucleotide variant.
Coding change: c.3446A>G on transcript NM_017636.4 (MANE Select); coding-DNA position 3446, A replaced by G.
Protein change: p.Lys1149Arg; replaces lysine 1149 with arginine.
Molecular consequence: missense variant.
Genome position (GRCh38, 1-based): chr19:49,210,827, A>G. VCF-style: chr19-49210827-A-G. GRCh37 (hg19) VCF-style: chr19-49714084-A-G.
Other names: c.3011A>G, p.Lys1004Arg (NM_001195227.2); c.3101A>G, p.Lys1034Arg (NM_001321281.2); c.1838A>G, p.Lys613Arg (NM_001321282.2); c.2924A>G, p.Lys975Arg (NM_001321283.2); c.2384A>G, p.Lys795Arg (NM_001321285.2); short protein forms K1034R, K1004R, K795R, K975R, K1149R, K613R.
Identifiers: ClinVar variation 808616 (VCV000808616.51), dbSNP rs202010190, ClinGen allele CA9569906.

ClinVar aggregate classification (germline): Uncertain significance. Review status: criteria provided, multiple submitters, no conflicts (2 of 4 stars). 3 submissions from 3 submitters: Uncertain significance (3). Last evaluated 2025-10-20.

Conditions:
Cardiovascular phenotype. Identifiers: MedGen CN230736.
Progressive familial heart block type IB (PFHB1B). Identifiers: Orphanet 871, MedGen C1970298, MONDO:0011474, OMIM 604559.

Allele frequency attached by ClinVar (database versions not stated): gnomAD 0.00001; gnomAD exomes 0.00001 and 0.00003; TOPMed 0.00003; ExAC 0.00004; 1000 Genomes Project 0.00020; 1000 Genomes Project 30x 0.00031.
gnomAD v4.1: 12 of 1,612,124 alleles (0.00074%); highest among the groups gnomAD compares: East Asian, 0.025%; no homozygotes.

Submissions (3):

Labcorp Genetics (formerly Invitae), Labcorp
Classification: Uncertain significance for Progressive familial heart block type IB. Last evaluated: 2025-10-20. Review status: criteria provided, single submitter. Criteria: Invitae Variant Classification Sherloc (09022015). Collection method: clinical testing. Allele origin: germline.
Comment: This sequence change replaces lysine, which is basic and polar, with arginine, which is basic and polar, at codon 1149 of the TRPM4 protein (p.Lys1149Arg). This variant is present in population databases (rs202010190, gnomAD 0.03%). This variant has not been reported in the literature in individuals affected with TRPM4-related conditions. ClinVar contains an entry for this variant (Variation ID: 808616). An algorithm developed to predict the effect of missense changes on protein structure and function (PolyPhen-2) suggests that this variant is likely to be tolerated. In summary, the available evidence is currently insufficient to determine the role of this variant in disease. Therefore, it has been classified as a Variant of Uncertain Significance.

Ambry Genetics
Classification: Uncertain significance for Cardiovascular phenotype. Last evaluated: 2023-03-31. Review status: criteria provided, single submitter. Criteria: Ambry Variant Classification Scheme 2023. Collection method: clinical testing. Allele origin: germline.
Comment: The p.K1149R variant (also known as c.3446A>G), located in coding exon 22 of the TRPM4 gene, results from an A to G substitution at nucleotide position 3446. The lysine at codon 1149 is replaced by arginine, an amino acid with highly similar properties. This amino acid position is well conserved in available vertebrate species. In addition, this alteration is predicted to be tolerated by in silico analysis. Since supporting evidence is limited at this time, the clinical significance of this alteration remains unclear.

CeGaT Center for Human Genetics Tuebingen
Classification: Uncertain significance. Last evaluated: 2018-11-01. Review status: criteria provided, single submitter. Criteria: CeGaT Center For Human Genetics Tuebingen Variant Classification Criteria Version 2. Collection method: clinical testing. Allele origin: germline. Affected: yes. Observed: 1 variant allele.